The following is an entry in ClinVar:

NM_182931.3(KMT2E):c.998A>G (p.Glu333Gly)

Gene: KMT2E (lysine methyltransferase 2E (inactive); plus strand). Cytogenetic location: 7q22.3.
Variant type: single nucleotide variant.
Coding change: c.998A>G on transcript NM_182931.3 (MANE Select); coding-DNA position 998, A replaced by G.
Protein change: p.Glu333Gly; replaces glutamic acid 333 with glycine.
Molecular consequence: missense variant.
Genome position (GRCh38, 1-based): chr7:105,077,192, A>G. VCF-style: chr7-105077192-A-G. GRCh37 (hg19) VCF-style: chr7-104717639-A-G.
Other names: c.998A>G, p.Glu333Gly (NM_001410908.1, NM_018682.4); short protein forms E333G.
Identifiers: ClinVar variation 4072592 (VCV004072592.1).
Genomic context (GRCh38, chr7:105,077,192, plus strand): 5'-AAAAAGAGATGAATAAATCCGATTTGAATACCAACAATTTGCTCTTCAAACCTCCTGTAG[A>G]GGTAAATACATCATTTGTCCAAAAATTGTAAAGCAGTTTTATATTGTGAATTTTTAGTTA-3'
Protein context (NP_891847.1, residues 323-343): TNNLLFKPPV[Glu333Gly]SHIQKNKKIL

ClinVar aggregate classification (germline): Uncertain significance (1 of 4 stars; one submission).

Submission:

GeneDx
Classification: Uncertain significance. Last evaluated: 2025-01-28. Review status: criteria provided, single submitter. Criteria: GeneDx Variant Classification Process June 2021. Collection method: clinical testing. Allele origin: germline. Affected: yes.
Comment: Not observed at significant frequency in large population cohorts (gnomAD); In silico analysis supports that this missense variant has a deleterious effect on protein structure/function; Has not been previously published as pathogenic or benign to our knowledge